The following is an entry in ClinVar:

ClinVar aggregate classification (germline): Pathogenic (1 of 4 stars; one submission).

Submission:

Labcorp Genetics (formerly Invitae), Labcorp
Classification: Pathogenic. Last evaluated: 2025-03-06. Review status: criteria provided, single submitter. Criteria: Invitae Variant Classification Sherloc (09022015). Collection method: clinical testing. Allele origin: germline.
Comment: This sequence change creates a premature translational stop signal (p.Asp271Glyfs*2) in the TRAPPC9 gene. It is expected to result in an absent or disrupted protein product. Loss-of-function variants in TRAPPC9 are known to be pathogenic (PMID: 2000476, 20004763, 20004764). This variant is not present in population databases (gnomAD no frequency). This variant has not been reported in the literature in individuals affected with TRAPPC9-related conditions. For these reasons, this variant has been classified as Pathogenic.

Literature cited by the submitters: PubMed 2000476; PubMed 20004763; PubMed 20004764.

NM_001160372.4(TRAPPC9):c.517dup (p.Asp173fs)

Gene: TRAPPC9 (trafficking protein particle complex subunit 9; minus strand). Cytogenetic location: 8q24.3.
Variant type: Duplication.
Coding change: c.517dup on transcript NM_001160372.4 (MANE Select); coding-DNA position 517, one base duplicated (G; older notation c.517dupG).
Protein change: p.Asp173fs; shifts the reading frame from aspartic acid 173.
Molecular consequence: frameshift variant. On other transcripts: non-coding transcript variant (1).
Genome position (GRCh38, 1-based): chr8:140,450,857, C duplicated on the plus strand (G on the coding strand, the reverse complement: TRAPPC9 is on the minus strand); the first of 4 consecutive C bases (chr8:140,450,857-140,450,860); duplicating any one gives the same sequence. VCF-style (leftmost placement, unchanged base first): chr8-140450856-T-TC. GRCh37 (hg19) VCF-style: chr8-141460955-T-TC.
Other names: c.517dup, p.Asp173fs (NM_001321646.2, NM_001374682.1, NM_001374683.1 and 2 more transcripts); short protein forms D173fs.
Identifiers: ClinVar variation 4714555 (VCV004714555.1).
Genomic context (GRCh38, chr8:140,450,856, plus strand): 5'-TCTGTGTCCAGTCCTACAAAGTCCTTTTTCTCAAACGGGACACAGAGAAGGGGGATCTTA[T>TC]CCCCAGACTTGTCTGTGGCTCTGTCCAGACGCTTGGACTCCAGCACGATGAACAGTGACT-3'